The following is an entry in ClinVar:

NC_000002.11:g.(?_20153575)_(20153759_?)del

Gene: WDR35 (WD repeat domain 35; minus strand). Cytogenetic location: 2p24.1.
Variant type: Deletion.
Identifiers: ClinVar variation 1459665 (VCV001459665.6).

ClinVar aggregate classification (germline): Pathogenic (1 of 4 stars; one submission).

Conditions:
Cranioectodermal dysplasia 2 (CED2). Identifiers: Orphanet 1515, MedGen C3150874, MONDO:0013323, OMIM 613610.
Short-rib thoracic dysplasia 7 with or without polydactyly (SRTD7). Also called: Short rib polydactyly syndrome 5; SHORT-RIB THORACIC DYSPLASIA 7 WITH POLYDACTYLY. Identifiers: Orphanet 498497, Orphanet 93271, MedGen C3279792, MONDO:0013569, OMIM 614091.

Submission:

Labcorp Genetics (formerly Invitae), Labcorp
Classification: Pathogenic for Cranioectodermal dysplasia 2; Short-rib thoracic dysplasia 7 with or without polydactyly. Last evaluated: 2021-03-15. Review status: criteria provided, single submitter. Criteria: Invitae Variant Classification Sherloc (09022015). Collection method: clinical testing. Allele origin: germline.
Comment: For these reasons, this variant has been classified as Pathogenic. Experimental studies and prediction algorithms are not available or were not evaluated, and the functional significance of this variant is currently unknown. This variant has not been reported in the literature in individuals with WDR35-related conditions. This variant is a gross deletion of the genomic region encompassing exon(s) 13 of the WDR35 gene. This deletion is out-of-frame, and is expected to create a premature translational stop signal and result in an absent or disrupted protein product. Loss-of-function variants in WDR35 are known to be pathogenic (PMID: 22486404, 29068549).

Literature cited by the submitters: PubMed 22486404; PubMed 29068549.